The following is an entry in ClinVar:

ClinVar aggregate classification (germline): Likely benign. Review status: criteria provided, multiple submitters, no conflicts (2 of 4 stars). 3 submissions from 3 submitters: Likely benign (2). 1 of the submissions does not count toward it. Last evaluated 2025-11-05.

Conditions:
Joubert syndrome 23 (JBTS23). Identifiers: Orphanet 475, MedGen C4084822, MONDO:0014664, OMIM 616490.
Short-rib thoracic dysplasia 14 with polydactyly (SRTD14). Identifiers: Orphanet 397715, MedGen C4225286, MONDO:0014688, OMIM 616546.
KIAA0586-related disorder. Also called: KIAA0586- Related disorders; KIAA0586-related condition.

Allele frequency attached by ClinVar (database versions not stated): gnomAD below 0.00001 and 0.00007; TOPMed 0.00002; gnomAD exomes 0.00011 and 0.00025; ExAC 0.00033; 1000 Genomes Project 30x 0.00141; 1000 Genomes Project 0.00160.
gnomAD v4.1: 171 of 1,613,750 alleles (0.011%); highest among the groups gnomAD compares: South Asian, 0.18%; 1 homozygote.

Submissions (3):

Labcorp Genetics (formerly Invitae), Labcorp
Classification: Likely benign for Joubert syndrome 23; Short-rib thoracic dysplasia 14 with polydactyly. Last evaluated: 2025-11-05. Review status: criteria provided, single submitter. Criteria: Invitae Variant Classification Sherloc (09022015). Collection method: clinical testing. Allele origin: germline.

Blueprint Genetics
Classification: Likely benign. Last evaluated: 2024-05-13. Review status: criteria provided, single submitter. Criteria: ACMG Guidelines, 2015. Collection method: clinical testing. Allele origin: germline.

PreventionGenetics, part of Exact Sciences
Classification: Likely benign for KIAA0586-related condition. Last evaluated: 2024-01-26. Review status: no assertion criteria provided. Collection method: clinical testing. Allele origin: germline. Not counted in ClinVar's aggregate classification.
Comment: This variant is classified as likely benign based on ACMG/AMP sequence variant interpretation guidelines (Richards et al. 2015 PMID: 25741868, with internal and published modifications).

NM_001329943.3(KIAA0586):c.750T>A (p.Phe250Leu)

Gene: KIAA0586 (KIAA0586; plus strand). Cytogenetic location: 14q23.1.
Variant type: single nucleotide variant.
Coding change: c.750T>A on transcript NM_001329943.3 (MANE Select); coding-DNA position 750, T replaced by A.
Protein change: p.Phe250Leu; replaces phenylalanine 250 with leucine.
Molecular consequence: missense variant.
Genome position (GRCh38, 1-based): chr14:58,444,118, T>A. VCF-style: chr14-58444118-T-A. GRCh37 (hg19) VCF-style: chr14-58910836-T-A.
Other names: c.909T>A, p.Phe303Leu (NM_001244189.2); c.705T>A, p.Phe235Leu (NM_001244190.2); c.495T>A, p.Phe165Leu (NM_001244191.2, NM_001329945.2, NM_001364700.1 and 1 more transcripts); c.618T>A, p.Phe206Leu (NM_001244192.2); c.330T>A, p.Phe110Leu (NM_001244193.2); c.750T>A, p.Phe250Leu (NM_001329944.2, NM_001329946.2, NM_001329947.2 and 1 more transcripts); short protein forms F250L, F206L, F110L, F303L, F165L, F235L.
Identifiers: ClinVar variation 798228 (VCV000798228.13), dbSNP rs577258273, ClinGen allele CA7205464.